The following is an entry in ClinVar:

ClinVar aggregate classification (germline): Likely benign (0 of 4 stars; one submission).

Conditions:
SALL2-related disorder. Also called: SALL2-related condition.

gnomAD v4.1: 23 of 1,614,208 alleles (0.0014%); highest among the groups gnomAD compares: Non-Finnish European, 0.0019%; no homozygotes.

Submission:

PreventionGenetics, part of Exact Sciences
Classification: Likely benign for SALL2-related condition. Last evaluated: 2019-09-17. Review status: no assertion criteria provided. Collection method: clinical testing. Allele origin: germline.
Comment: This variant is classified as likely benign based on ACMG/AMP sequence variant interpretation guidelines (Richards et al. 2015 PMID: 25741868, with internal and published modifications).

NM_001364564.1(SALL2):c.1836C>T (p.Ala612=)

Gene: SALL2 (spalt like transcription factor 2; minus strand). Cytogenetic location: 14q11.2.
Variant type: single nucleotide variant.
Coding change: c.1836C>T on transcript NM_001364564.1 (MANE Select); coding-DNA position 1836, C replaced by T.
Protein change: p.Ala612=; no amino-acid change (alanine 612 retained).
Molecular consequence: synonymous variant.
Genome position (GRCh38, 1-based): chr14:21,523,886, G>A on the plus strand (C>T on the coding strand, the complement: SALL2 is on the minus strand). VCF-style: chr14-21523886-G-A. GRCh37 (hg19) VCF-style: chr14-21992020-G-A.
Other names: c.1437C>T, p.Ala479= (NM_001291446.2); c.1431C>T, p.Ala477= (NM_001291447.2); c.1842C>T, p.Ala614= (NM_005407.3).
Identifiers: ClinVar variation 3354715 (VCV003354715.1).